The following is an entry in ClinVar:

NM_005902.4(SMAD3):c.-15G>A

Genes: SMAD3 (SMAD family member 3; plus strand), LOC130057352 (ATAC-STARR-seq lymphoblastoid silent region 6574; plus strand). Cytogenetic location: 15q22.33.
Variant type: single nucleotide variant.
Coding change: c.-15G>A on transcript NM_005902.4 (MANE Select); 15 bases upstream of the start codon, G replaced by A.
Molecular consequence: 5 prime UTR variant.
Genome position (GRCh38, 1-based): chr15:67,066,140, G>A. VCF-style: chr15-67066140-G-A. GRCh37 (hg19) VCF-style: chr15-67358478-G-A.
Identifiers: ClinVar variation 139216 (VCV000139216.16), dbSNP rs1061427, ClinGen allele CA020049.

ClinVar aggregate classification (germline): Benign. Review status: criteria provided, multiple submitters, no conflicts (2 of 4 stars). 8 submissions from 8 submitters: Benign (8). Last evaluated 2024-11-27.

Conditions:
Familial thoracic aortic aneurysm and aortic dissection (TAAD). Also called: Thoracic aortic aneurysms and dissections. Identifiers: Orphanet 91387, MedGen C4707243, MONDO:0019625.
Aneurysm-osteoarthritis syndrome. Also called: SMAD3-Related Loeys-Dietz Syndrome; ANEURYSMS-OSTEOARTHRITIS SYNDROME; Loeys-Dietz syndrome, type 1C; LOEYS-DIETZ SYNDROME WITH OSTEOARTHRITIS. Identifiers: Orphanet 284984, MedGen C3151087, MONDO:0013426, OMIM 613795.

Allele frequency attached by ClinVar (database versions not stated): TOPMed 0.20713; ESP Exome Variant Server 0.21301; gnomAD 0.22024 and 0.22260; 1000 Genomes Project 30x 0.22111; 1000 Genomes Project 0.22364; gnomAD exomes 0.23233 and 0.23528; ExAC 0.37699.
gnomAD v4.1: 367,048 of 1,567,362 alleles (23%); highest among the groups gnomAD compares: South Asian, 31%; 44,612 homozygotes.

Submissions (8):

Blueprint Genetics
Classification: Benign. Last evaluated: 2024-11-27. Review status: criteria provided, single submitter. Criteria: ACMG Guidelines, 2015. Collection method: clinical testing. Allele origin: germline.

Women's Health and Genetics/Laboratory Corporation of America, LabCorp
Classification: Benign. Last evaluated: 2019-08-16. Review status: criteria provided, single submitter. Criteria: LabCorp Variant Classification Summary - May 2015. Collection method: clinical testing. Allele origin: germline.

Color Diagnostics, LLC DBA Color Health
Classification: Benign for Familial thoracic aortic aneurysm and aortic dissection. Last evaluated: 2018-03-19. Review status: criteria provided, single submitter. Criteria: ACMG Guidelines, 2015. Collection method: clinical testing. Allele origin: germline.

Illumina Laboratory Services, Illumina
Classification: Benign for Aneurysm-osteoarthritis syndrome. Last evaluated: 2018-01-13. Review status: criteria provided, single submitter. Criteria: ICSL Variant Classification Criteria 13 December 2019. Collection method: clinical testing. Allele origin: germline.
Comment: This variant was observed in the ICSL laboratory as part of a predisposition screen in an ostensibly healthy population. It had not been previously curated by ICSL or reported in the Human Gene Mutation Database (HGMD: prior to June 1st, 2018), and was therefore a candidate for classification through an automated scoring system. Utilizing variant allele frequency, disease prevalence and penetrance estimates, and inheritance mode, an automated score was calculated to assess if this variant is too frequent to cause the disease. Based on the score and internal cut-off values, a variant classified as benign is not then subjected to further curation. The score for this variant resulted in a classification of benign for this disease.

Laboratory for Molecular Medicine, Mass General Brigham Personalized Medicine
Classification: Benign. Last evaluated: 2013-04-04. Review status: criteria provided, single submitter. Criteria: LMM Criteria. Collection method: clinical testing. Allele origin: germline. Observed: 15 variant alleles.
Comment: -15G>A in exon 1 of SMAD3: This variant is not expected to have clinical signifi cance because it has been identified in 22.8% (1943/8510) of European American c hromosomes from a broad population by the NHLBI Exome Sequencing Project (

GeneDx
Classification: Benign. Last evaluated: 2012-11-13. Review status: criteria provided, single submitter. Criteria: GeneDx Variant Classification (06012015). Collection method: clinical testing. Allele origin: germline. Affected: yes.
Comment: This variant is considered likely benign or benign based on one or more of the following criteria: it is a conservative change, it occurs at a poorly conserved position in the protein, it is predicted to be benign by multiple in silico algorithms, and/or has population frequency not consistent with disease.

Breakthrough Genomics
Classification: Benign. Review status: criteria provided, single submitter. Criteria: ACMG Guidelines, 2015. Collection method: not provided. Allele origin: germline. Inheritance: Autosomal dominant inheritance. Affected: yes.

PreventionGenetics, part of Exact Sciences
Classification: Benign. Review status: criteria provided, single submitter. Criteria: ACMG Guidelines, 2015. Collection method: clinical testing. Allele origin: germline.